The following is an entry in ClinVar:

NM_001142864.4(PIEZO1):c.2882T>G (p.Leu961Arg)

Genes: HSALR1 (HSP90AB1 associated lncRNA 1; plus strand), PIEZO1 (piezo type mechanosensitive ion channel component 1 (Er blood group); minus strand). Cytogenetic location: 16q24.3.
Variant type: single nucleotide variant.
Coding change: c.2882T>G on transcript NM_001142864.4 (MANE Select); coding-DNA position 2882, T replaced by G.
Protein change: p.Leu961Arg; replaces leucine 961 with arginine.
Molecular consequence: missense variant.
Genome position (GRCh38, 1-based): chr16:88,732,444, A>C on the plus strand (T>G on the coding strand, the complement: PIEZO1 is on the minus strand). VCF-style: chr16-88732444-A-C. GRCh37 (hg19) VCF-style: chr16-88798852-A-C.
Other names: c.1424T>G, p.Leu475Arg (NM_014745.1); short protein forms L961R, L475R.
Identifiers: ClinVar variation 2837955 (VCV002837955.3), dbSNP rs771591364, ClinGen allele CA397109931.

ClinVar aggregate classification (germline): Uncertain significance (1 of 4 stars; one submission).

gnomAD v4.1: 1 of 1,549,486 alleles (0.000065%); highest among the groups gnomAD compares: African/African-American, 0.0014%; no homozygotes.

Submission:

Labcorp Genetics (formerly Invitae), Labcorp
Classification: Uncertain significance. Last evaluated: 2023-02-16. Review status: criteria provided, single submitter. Criteria: Invitae Variant Classification Sherloc (09022015). Collection method: clinical testing. Allele origin: germline.
Comment: In summary, the available evidence is currently insufficient to determine the role of this variant in disease. Therefore, it has been classified as a Variant of Uncertain Significance. Advanced modeling of protein sequence and biophysical properties (such as structural, functional, and spatial information, amino acid conservation, physicochemical variation, residue mobility, and thermodynamic stability) performed at Invitae indicates that this missense variant is not expected to disrupt PIEZO1 protein function. This variant has not been reported in the literature in individuals affected with PIEZO1-related conditions. This variant is not present in population databases (gnomAD no frequency). This sequence change replaces leucine, which is neutral and non-polar, with arginine, which is basic and polar, at codon 961 of the PIEZO1 protein (p.Leu961Arg).